The following is an entry in ClinVar:

ClinVar aggregate classification (germline): Uncertain significance (1 of 4 stars; one submission).

Conditions:
Spastic paraplegia. Identifiers: MedGen C0037772, HP:0001258.

Allele frequency attached by ClinVar (database versions not stated): TOPMed below 0.00001; gnomAD exomes 0.00001.
gnomAD v4.1: 14 of 1,613,998 alleles (0.00087%); highest among the groups gnomAD compares: Non-Finnish European, 0.0012%; no homozygotes.

Submission:

Labcorp Genetics (formerly Invitae), Labcorp
Classification: Uncertain significance for Spastic paraplegia. Last evaluated: 2023-11-18. Review status: criteria provided, single submitter. Criteria: Invitae Variant Classification Sherloc (09022015). Collection method: clinical testing. Allele origin: germline.
Comment: This sequence change replaces aspartic acid, which is acidic and polar, with tyrosine, which is neutral and polar, at codon 719 of the KIF5A protein (p.Asp719Tyr). This variant is not present in population databases (gnomAD no frequency). This variant has not been reported in the literature in individuals affected with KIF5A-related conditions. Advanced modeling of protein sequence and biophysical properties (such as structural, functional, and spatial information, amino acid conservation, physicochemical variation, residue mobility, and thermodynamic stability) has been performed at Invitae for this missense variant, however the output from this modeling did not meet the statistical confidence thresholds required to predict the impact of this variant on KIF5A protein function. In summary, the available evidence is currently insufficient to determine the role of this variant in disease. Therefore, it has been classified as a Variant of Uncertain Significance.

NM_004984.4(KIF5A):c.2155G>T (p.Asp719Tyr)

Gene: KIF5A (kinesin family member 5A; plus strand). Cytogenetic location: 12q13.3.
Variant type: single nucleotide variant.
Coding change: c.2155G>T on transcript NM_004984.4 (MANE Select); coding-DNA position 2155, G replaced by T.
Protein change: p.Asp719Tyr; replaces aspartic acid 719 with tyrosine.
Molecular consequence: missense variant.
Genome position (GRCh38, 1-based): chr12:57,576,335, G>T. VCF-style: chr12-57576335-G-T. GRCh37 (hg19) VCF-style: chr12-57970118-G-T.
Other names: c.1888G>T, p.Asp630Tyr (NM_001354705.2); short protein forms D719Y, D630Y.
Identifiers: ClinVar variation 3017008 (VCV003017008.3), dbSNP rs1882424452, ClinGen allele CA385511334.